The following is an entry in ClinVar:

ClinVar aggregate classification (germline): Conflicting classifications of pathogenicity. Review status: criteria provided, conflicting classifications (1 of 4 stars). 2 submissions from 2 submitters: Uncertain significance (1); Likely benign (1). Last evaluated 2025-07-15.

Allele frequency attached by ClinVar (database versions not stated): 1000 Genomes Project 0.00080.

Submissions (2):

Ambry Genetics
Classification: Uncertain significance. Last evaluated: 2025-07-15. Review status: criteria provided, single submitter. Criteria: Ambry Variant Classification Scheme 2023. Collection method: clinical testing. Allele origin: germline.

CeGaT Center for Human Genetics Tuebingen
Classification: Likely benign. Last evaluated: 2024-01-01. Review status: criteria provided, single submitter. Criteria: CeGaT Center For Human Genetics Tuebingen Variant Classification Criteria Version 2. Collection method: clinical testing. Allele origin: germline. Affected: yes. Observed: 1 variant allele.
Comment: PRAMEF2: BS2

NM_023014.1(PRAMEF2):c.457A>C (p.Ile153Leu)

Genes: PRAMEF2 (PRAME family member 2; plus strand), LOC126805622 (CDK7 strongly-dependent group 2 enhancer GRCh37_chr1:12919058-12920257; plus strand). Cytogenetic location: 1p36.21.
Variant type: single nucleotide variant.
Coding change: c.457A>C on transcript NM_023014.1 (MANE Select); coding-DNA position 457, A replaced by C.
Protein change: p.Ile153Leu; replaces isoleucine 153 with leucine.
Molecular consequence: missense variant.
Genome position (GRCh38, 1-based): chr1:12,859,862, A>C. VCF-style: chr1-12859862-A-C. GRCh37 (hg19) VCF-style: chr1-12919717-A-C.
Other names: short protein forms I153L.
Identifiers: ClinVar variation 3025334 (VCV003025334.23), dbSNP rs200536956, ClinGen allele CA608035.